The following is an entry in ClinVar:

ClinVar aggregate classification (germline): Uncertain significance. Review status: criteria provided, multiple submitters, no conflicts (2 of 4 stars). 2 submissions from 2 submitters: Uncertain significance (2). Last evaluated 2019-11-07.

Conditions:
Combined immunodeficiency due to DOCK8 deficiency (HIES2). Also called: HIES autosomal recessive; HYPER-IgE SYNDROME 2, AUTOSOMAL RECESSIVE, WITH RECURRENT INFECTIONS; Hyper-IgE recurrent infection syndrome, autosomal recessive; HYPER-IgE RECURRENT INFECTION SYNDROME 2, AUTOSOMAL RECESSIVE; DOCK8 Deficiency. Identifiers: Orphanet 217390, MedGen C4722305, MONDO:0009478, OMIM 243700.

Allele frequency attached by ClinVar (database versions not stated): gnomAD exomes below 0.00001; TOPMed below 0.00001; gnomAD 0.00001.
gnomAD v4.1: 8 of 1,614,084 alleles (0.0005%); highest among the groups gnomAD compares: Non-Finnish European, 0.00059%; no homozygotes.

Submissions (2):

Labcorp Genetics (formerly Invitae), Labcorp
Classification: Uncertain significance for Combined immunodeficiency due to DOCK8 deficiency. Last evaluated: 2019-11-07. Review status: criteria provided, single submitter. Criteria: Invitae Variant Classification Sherloc (09022015). Collection method: clinical testing. Allele origin: germline.
Comment: This variant has not been reported in the literature in individuals with DOCK8-related disease. ClinVar contains an entry for this variant (Variation ID: 449656). This sequence change replaces proline with arginine at codon 1205 of the DOCK8 protein (p.Pro1205Arg). The proline residue is moderately conserved and there is a moderate physicochemical difference between proline and arginine. This variant is not present in population databases (ExAC no frequency). Algorithms developed to predict the effect of missense changes on protein structure and function (SIFT, PolyPhen-2, Align-GVGD) all suggest that this variant is likely to be tolerated, but these predictions have not been confirmed by published functional studies and their clinical significance is uncertain. In summary, the available evidence is currently insufficient to determine the role of this variant in disease. Therefore, it has been classified as a Variant of Uncertain Significance.

GeneDx
Classification: Uncertain significance. Last evaluated: 2017-07-07. Review status: criteria provided, single submitter. Criteria: GeneDx Variant Classification (06012015). Collection method: clinical testing. Allele origin: germline. Affected: yes.
Comment: The P1205R variant in the DOCK8 gene has not been reported previously as a pathogenic variant, nor as a benign variant, to our knowledge. The P1205R variant is not observed in large population cohorts (Lek et al., 2016; 1000 Genomes Consortium et al., 2015; Exome Variant Server). The P1205R variant is a non-conservative amino acid substitution, which is likely to impact secondary protein structure as these residues differ in polarity, charge, size and/or other properties. This substitution occurs at a position that is not conserved. In silico analysis is inconsistent in its predictions as to whether or not the variant is damaging to the protein structure/function. We interpret P1205R as a variant of uncertain significance.

NM_203447.4(DOCK8):c.3614C>G (p.Pro1205Arg)

Gene: DOCK8 (dedicator of cytokinesis 8; plus strand). Cytogenetic location: 9p24.3.
Variant type: single nucleotide variant.
Coding change: c.3614C>G on transcript NM_203447.4 (MANE Select); coding-DNA position 3614, C replaced by G.
Protein change: p.Pro1205Arg; replaces proline 1205 with arginine.
Molecular consequence: missense variant.
Genome position (GRCh38, 1-based): chr9:414,865, C>G. VCF-style: chr9-414865-C-G. GRCh37 (hg19) VCF-style: chr9-414865-C-G.
Other names: c.3314C>G, p.Pro1105Arg (NM_001190458.2); c.3410C>G, p.Pro1137Arg (NM_001193536.2); short protein forms P1205R, P1137R, P1105R.
Identifiers: ClinVar variation 449656 (VCV000449656.12), dbSNP rs1310119190, ClinGen allele CA372760636.
Genomic context (GRCh38, chr9:414,865, plus strand): 5'-CTGTCAGTGCAATTCACAGCCTGCTAAGTTCTCACGACCTGGACCCACGCTGTGTCAAAC[C>G]AGAGGTGAAGGTCAAAATCGCCGCCCTTTACCTACCTTTAGTTGGCATCATTTTGGATGC-3'
Protein context (NP_982272.2, residues 1195-1215): SHDLDPRCVK[Pro1205Arg]EVKVKIAALY